The following is an entry in ClinVar:

ClinVar aggregate classification (germline): Uncertain significance (1 of 4 stars; one submission).

Conditions:
Dilated cardiomyopathy 1W (CMD1W). Identifiers: Orphanet 154, MedGen C1969639, MONDO:0012667, OMIM 611407.

Submission:

Labcorp Genetics (formerly Invitae), Labcorp
Classification: Uncertain significance for Dilated cardiomyopathy 1W. Last evaluated: 2022-07-22. Review status: criteria provided, single submitter. Criteria: Invitae Variant Classification Sherloc (09022015). Collection method: clinical testing. Allele origin: germline.
Comment: In summary, the available evidence is currently insufficient to determine the role of this variant in disease. Therefore, it has been classified as a Variant of Uncertain Significance. Algorithms developed to predict the effect of missense changes on protein structure and function are either unavailable or do not agree on the potential impact of this missense change (SIFT: "Not Available"; PolyPhen-2: "Probably Damaging"; Align-GVGD: "Not Available"). This variant has not been reported in the literature in individuals affected with VCL-related conditions. This variant is not present in population databases (gnomAD no frequency). This sequence change replaces glutamic acid, which is acidic and polar, with valine, which is neutral and non-polar, at codon 224 of the VCL protein (p.Glu224Val).

NM_014000.3(VCL):c.671A>T (p.Glu224Val)

Gene: VCL (vinculin; plus strand). Cytogenetic location: 10q22.2.
Variant type: single nucleotide variant.
Coding change: c.671A>T on transcript NM_014000.3 (MANE Select); coding-DNA position 671, A replaced by T.
Protein change: p.Glu224Val; replaces glutamic acid 224 with valine.
Molecular consequence: missense variant.
Genome position (GRCh38, 1-based): chr10:74,074,791, A>T. VCF-style: chr10-74074791-A-T. GRCh37 (hg19) VCF-style: chr10-75834549-A-T.
Other names: c.671A>T, p.Glu224Val (NM_003373.4); short protein forms E224V.
Identifiers: ClinVar variation 1713382 (VCV001713382.5), dbSNP rs1054638463, ClinGen allele CA209694069.